The following is an entry in ClinVar:

ClinVar aggregate classification (germline): Uncertain significance (1 of 4 stars; one submission).

Conditions:
Hereditary cancer-predisposing syndrome. Also called: Tumor predisposition; Hereditary Cancer Syndrome; Hereditary neoplastic syndrome; Neoplastic Syndromes, Hereditary. Identifiers: Orphanet 140162, MedGen C0027672, MeSH D009386, MONDO:0015356.

Submission:

Ambry Genetics
Classification: Uncertain significance for Hereditary cancer-predisposing syndrome. Last evaluated: 2024-04-24. Review status: criteria provided, single submitter. Criteria: Ambry Variant Classification Scheme 2023. Collection method: clinical testing. Allele origin: germline.
Comment: The p.Y207N variant (also known as c.619T>A), located in coding exon 7 of the NF2 gene, results from a T to A substitution at nucleotide position 619. The tyrosine at codon 207 is replaced by asparagine, an amino acid with dissimilar properties. This amino acid position is conserved. In addition, this alteration is predicted to be deleterious by in silico analysis. Based on the available evidence, the clinical significance of this variant remains unclear.

NM_000268.4(NF2):c.619T>A (p.Tyr207Asn)

Gene: NF2 (NF2, moesin-ezrin-radixin like (MERLIN) tumor suppressor; plus strand). Cytogenetic location: 22q12.2.
Variant type: single nucleotide variant.
Coding change: c.619T>A on transcript NM_000268.4 (MANE Select); coding-DNA position 619, T replaced by A.
Protein change: p.Tyr207Asn; replaces tyrosine 207 with asparagine.
Molecular consequence: missense variant. On other transcripts: intron variant (1).
Genome position (GRCh38, 1-based): chr22:29,658,208, T>A. VCF-style: chr22-29658208-T-A. GRCh37 (hg19) VCF-style: chr22-30054197-T-A.
Other names: c.505T>A, p.Tyr169Asn (NM_001407053.1, NM_001407056.1); c.496T>A, p.Tyr166Asn (NM_001407054.1, NM_001407058.1, NM_001407062.1 and 1 more transcripts); c.493T>A, p.Tyr165Asn (NM_001407055.1, NM_181828.3); c.619T>A, p.Tyr207Asn (NM_001407057.1, NM_001407059.1, NM_001407060.1 and 4 more transcripts); c.370T>A, p.Tyr124Asn (NM_001407063.1, NM_001407064.1, NM_181830.3 and 1 more transcripts); c.85T>A, p.Tyr29Asn (NM_001407065.1); c.388T>A, p.Tyr130Asn (NM_001407067.1); c.447+15923T>A (NM_181833.3); short protein forms Y124N, Y130N, Y166N, Y29N, Y165N, Y169N, Y207N.
Identifiers: ClinVar variation 3299424 (VCV003299424.1).
Genomic context (GRCh38, chr22:29,658,208, plus strand): 5'-TCACTTAGCTCCAATGACAGTGTCTTCCGTTCTCCCCACAGGGATGAAGCTGAAATGGAA[T>A]ATCTGAAGATAGCTCAGGACCTGGAGATGTACGGTGTGAACTACTTTGCAATCCGGGTGT-3'
Protein context (NP_000259.1, residues 197-217): GRARDEAEME[Tyr207Asn]LKIAQDLEMY